The following is an entry in ClinVar:

ClinVar aggregate classification (germline): Uncertain significance (1 of 4 stars; one submission).

Conditions:
Compton-North congenital myopathy (CMYO12). Identifiers: Orphanet 210163, MedGen C2675527, MONDO:0012929, OMIM 612540.

Allele frequency attached by ClinVar (database versions not stated): gnomAD exomes below 0.00001; TOPMed below 0.00001.
gnomAD v4.1: 1 of 1,614,142 alleles (0.000062%); highest among the groups gnomAD compares: Non-Finnish European, 0.000085%; no homozygotes.

Submission:

Labcorp Genetics (formerly Invitae), Labcorp
Classification: Uncertain significance for Compton-North congenital myopathy. Last evaluated: 2022-06-20. Review status: criteria provided, single submitter. Criteria: Invitae Variant Classification Sherloc (09022015). Collection method: clinical testing. Allele origin: germline.
Comment: ClinVar contains an entry for this variant (Variation ID: 657943). In summary, the available evidence is currently insufficient to determine the role of this variant in disease. Therefore, it has been classified as a Variant of Uncertain Significance. Advanced modeling of protein sequence and biophysical properties (such as structural, functional, and spatial information, amino acid conservation, physicochemical variation, residue mobility, and thermodynamic stability) performed at Invitae indicates that this missense variant is not expected to disrupt CNTN1 protein function. This variant has not been reported in the literature in individuals affected with CNTN1-related conditions. This variant is not present in population databases (gnomAD no frequency). This sequence change replaces aspartic acid, which is acidic and polar, with valine, which is neutral and non-polar, at codon 792 of the CNTN1 protein (p.Asp792Val).

NM_001843.4(CNTN1):c.2375A>T (p.Asp792Val)

Gene: CNTN1 (contactin 1; plus strand). Cytogenetic location: 12q12.
Variant type: single nucleotide variant.
Coding change: c.2375A>T on transcript NM_001843.4 (MANE Select); coding-DNA position 2375, A replaced by T.
Protein change: p.Asp792Val; replaces aspartic acid 792 with valine.
Molecular consequence: missense variant.
Genome position (GRCh38, 1-based): chr12:41,016,872, A>T. VCF-style: chr12-41016872-A-T. GRCh37 (hg19) VCF-style: chr12-41410674-A-T.
Other names: c.2342A>T, p.Asp781Val (NM_175038.2); short protein forms D781V, D792V.
Identifiers: ClinVar variation 657943 (VCV000657943.9), dbSNP rs1250582749, ClinGen allele CA384587033.